The following is an entry in ClinVar:

ClinVar aggregate classification (germline): Uncertain significance (1 of 4 stars; one submission).

Submission:

GeneDx
Classification: Uncertain significance. Last evaluated: 2024-01-31. Review status: criteria provided, single submitter. Criteria: GeneDx Variant Classification Process June 2021. Collection method: clinical testing. Allele origin: germline. Affected: yes.
Comment: Not observed at significant frequency in large population cohorts (gnomAD); Intronic +5 splice site variant in a gene for which loss of function is a known mechanism of disease, and both splice predictors and evolutionary conservation support a deleterious effect, although in the absence of functional evidence the actual effect of this sequence change is unknown.; Has not been previously published as pathogenic or benign to our knowledge

NM_006852.6(TLK2):c.1121+2_1121+3insCT

Gene: TLK2 (tousled like kinase 2; plus strand). Cytogenetic location: 17q23.2.
Variant type: Insertion.
Coding change: c.1121+2_1121+3insCT on transcript NM_006852.6 (MANE Select); the canonical splice donor site of the intron after coding-DNA position 1121 through 3 bases into the intron after coding-DNA position 1121, CT inserted.
Molecular consequence: splice donor variant.
Genome position: GRCh38 VCF-style: chr17-62573368-G-GTC. GRCh37 (hg19) VCF-style: chr17-60650729-G-GTC.
Other names: c.1121+2_1121+3insCT (NM_001375271.1, NM_001375270.1, NM_001284333.3); c.674+2_674+3insCT (NM_001375273.1, NM_001330418.3); c.1025+2_1025+3insCT (NM_001375272.1, NM_001284363.1); c.836+2_836+3insCT (NM_001411074.1); c.1163+2_1163+3insCT (NM_001375269.1).
Identifiers: ClinVar variation 3368347 (VCV003368347.1).